The following is an entry in ClinVar:

NM_020631.6(PLEKHG5):c.2574C>T (p.Leu858=)

Gene: PLEKHG5 (pleckstrin homology and RhoGEF domain containing G5; minus strand). Cytogenetic location: 1p36.31.
Variant type: single nucleotide variant.
Coding change: c.2574C>T on transcript NM_020631.6 (MANE Select); coding-DNA position 2574, C replaced by T.
Protein change: p.Leu858=; no amino-acid change (leucine 858 retained).
Molecular consequence: synonymous variant.
Genome position (GRCh38, 1-based): chr1:6,468,262, G>A on the plus strand (C>T on the coding strand, the complement: PLEKHG5 is on the minus strand). VCF-style: chr1-6468262-G-A. GRCh37 (hg19) VCF-style: chr1-6528322-G-A.
Other names: c.2685C>T, p.Leu895= (NM_001042663.3, NM_001265592.2); c.2574C>T, p.Leu858= (NM_001042664.2, NM_001042665.2, NM_001265594.3 and 1 more transcripts); c.2781C>T, p.Leu927= (NM_001265593.2).
Identifiers: ClinVar variation 3771322 (VCV003771322.13).
Genomic context (GRCh38, chr1:6,468,262, plus strand): 5'-GGACTTAGACTTGAGCAGGTGGGGCGGGCAGCTCAACAGCTGGACAGGGGTGCGGCGGCG[G>A]AGACGGGGCGAGGGTGGAGGGGAAGGAACTCGTGGGGACTCTGGGGCCCGAGGCACTAGC-3'
Protein context (NP_065682.2, residues 848-868): RVPSPPPSPR[Leu858=]RRRTPVQLLS

ClinVar aggregate classification (germline): Likely benign (1 of 4 stars; one submission).

Submission:

CeGaT Center for Human Genetics Tuebingen
Classification: Likely benign. Last evaluated: 2024-12-01. Review status: criteria provided, single submitter. Criteria: CeGaT Center For Human Genetics Tuebingen Variant Classification Criteria Version 2. Collection method: clinical testing. Allele origin: germline. Affected: yes. Observed: 1 variant allele.
Comment: PLEKHG5: BP4, BP7